The following is an entry in ClinVar:

NM_153460.4(IL17RC):c.1483+6C>G

Gene: IL17RC (interleukin 17 receptor C; plus strand). Cytogenetic location: 3p25.3.
Variant type: single nucleotide variant.
Coding change: c.1483+6C>G on transcript NM_153460.4 (MANE Select); 6 bases into the intron after coding-DNA position 1483, C replaced by G.
Molecular consequence: intron variant.
Genome position (GRCh38, 1-based): chr3:9,932,709, C>G. VCF-style: chr3-9932709-C-G. GRCh37 (hg19) VCF-style: chr3-9974393-C-G.
Other names: c.1696+6C>G (NM_153461.4); c.1483+6C>G (NM_001203263.2); c.1432+6C>G (NM_001203264.2); c.1444+6C>G (NM_001367278.1); c.1438+6C>G (NM_032732.6, NM_001367280.1); c.1387+6C>G (NM_001203265.2, NM_001410711.1); c.1363+6C>G (NM_001367279.1).
Identifiers: ClinVar variation 4708153 (VCV004708153.1).

ClinVar aggregate classification (germline): Uncertain significance (1 of 4 stars; one submission).

Conditions:
Candidiasis, familial, 9 (CANDF9). Identifiers: Orphanet 1334, MedGen C4225324, MONDO:0014642, OMIM 616445.

gnomAD v4.1: 4 of 1,614,062 alleles (0.00025%); highest among the groups gnomAD compares: South Asian, 0.0011%; no homozygotes.

Submission:

Labcorp Genetics (formerly Invitae), Labcorp
Classification: Uncertain significance for Candidiasis, familial, 9. Last evaluated: 2025-07-27. Review status: criteria provided, single submitter. Criteria: Invitae Variant Classification Sherloc (09022015). Collection method: clinical testing. Allele origin: germline.
Comment: This sequence change falls in intron 17 of the IL17RC gene. It does not directly change the encoded amino acid sequence of the IL17RC protein. It affects a nucleotide within the consensus splice site. This variant is present in population databases (no rsID available, gnomAD 0.003%). This variant has not been reported in the literature in individuals affected with IL17RC-related conditions. Variants that disrupt the consensus splice site are a relatively common cause of aberrant splicing (PMID: 17576681, 9536098). Algorithms developed to predict the effect of sequence changes on RNA splicing suggest that this variant is not likely to affect RNA splicing. In summary, the available evidence is currently insufficient to determine the role of this variant in disease. Therefore, it has been classified as a Variant of Uncertain Significance.

Literature cited by the submitters: PubMed 17576681; PubMed 9536098.